The following is an entry in ClinVar:

NM_006158.5(NEFL):c.418G>A (p.Glu140Lys)

Gene: NEFL (neurofilament light chain; minus strand). Cytogenetic location: 8p21.2.
Variant type: single nucleotide variant.
Coding change: c.418G>A on transcript NM_006158.5 (MANE Select); coding-DNA position 418, G replaced by A.
Protein change: p.Glu140Lys; replaces glutamic acid 140 with lysine.
Molecular consequence: missense variant.
Genome position (GRCh38, 1-based): chr8:24,956,098, C>T on the plus strand (G>A on the coding strand, the complement: NEFL is on the minus strand). VCF-style: chr8-24956098-C-T. GRCh37 (hg19) VCF-style: chr8-24813612-C-T.
Other names: short protein forms E140K.
Identifiers: ClinVar variation 568307 (VCV000568307.7), dbSNP rs121913663, ClinGen allele CA4681508.

ClinVar aggregate classification (germline): Uncertain significance. Review status: criteria provided, multiple submitters, no conflicts (2 of 4 stars). 3 submissions from 3 submitters: Uncertain significance (3). Last evaluated 2026-09-21.

Conditions:
Charcot-Marie-Tooth disease type 2E (CMT2E). Also called: CHARCOT-MARIE-TOOTH DISEASE, AXONAL, TYPE 2E; CHARCOT-MARIE-TOOTH NEUROPATHY, TYPE 2E. Identifiers: Orphanet 99939, MedGen C1843225, MONDO:0011894, OMIM 607684.
NEFL-related disorder. Also called: NEFL-related condition.
Charcot-Marie-Tooth disease, dominant intermediate G. Identifiers: MedGen C4693509, MONDO:0036484, OMIM 617882.

Allele frequency attached by ClinVar (database versions not stated): gnomAD 0.00001; gnomAD exomes 0.00001; TOPMed 0.00001; ExAC 0.00002.

Submissions (3):

PreventionGenetics, part of Exact Sciences
Classification: Uncertain significance for NEFL-related condition. Last evaluated: 2026-09-21. Review status: criteria provided, single submitter. Criteria: ACMG Guidelines, 2015. Collection method: clinical testing. Allele origin: germline.
Comment: The NEFL c.418G>A variant is predicted to result in the amino acid substitution p.Glu140Lys. To our knowledge, this variant has not been reported in the literature. This variant is reported in 0.0046% of alleles in individuals of European (Finnish) descent in gnomAD. At this time, the clinical significance of this variant is uncertain due to the absence of conclusive functional and genetic evidence.

Labcorp Genetics (formerly Invitae), Labcorp
Classification: Uncertain significance for Charcot-Marie-Tooth disease type 2E. Last evaluated: 2024-05-01. Review status: criteria provided, single submitter. Criteria: Invitae Variant Classification Sherloc (09022015). Collection method: clinical testing. Allele origin: germline.
Comment: This sequence change replaces glutamic acid, which is acidic and polar, with lysine, which is basic and polar, at codon 140 of the NEFL protein (p.Glu140Lys). This variant is present in population databases (rs121913663, gnomAD 0.004%). This variant has not been reported in the literature in individuals affected with NEFL-related conditions. ClinVar contains an entry for this variant (Variation ID: 568307). Advanced modeling of protein sequence and biophysical properties (such as structural, functional, and spatial information, amino acid conservation, physicochemical variation, residue mobility, and thermodynamic stability) has been performed at Invitae for this missense variant, however the output from this modeling did not meet the statistical confidence thresholds required to predict the impact of this variant on NEFL protein function. In summary, the available evidence is currently insufficient to determine the role of this variant in disease. Therefore, it has been classified as a Variant of Uncertain Significance.

MGZ Medical Genetics Center
Classification: Uncertain significance for Charcot-Marie-Tooth disease, dominant intermediate G. Last evaluated: 2022-02-24. Review status: criteria provided, single submitter. Criteria: ACMG Guidelines, 2015. Collection method: clinical testing. Allele origin: germline. Affected: yes. Observed: 1 variant allele.
Comment: ACMG criteria applied: PM2_SUP